The following is an entry in ClinVar:

NM_001231.5(CASQ1):c.370A>T (p.Thr124Ser)

Gene: CASQ1 (calsequestrin 1; plus strand). Cytogenetic location: 1q23.2.
Variant type: single nucleotide variant.
Coding change: c.370A>T on transcript NM_001231.5 (MANE Select); coding-DNA position 370, A replaced by T.
Protein change: p.Thr124Ser; replaces threonine 124 with serine.
Molecular consequence: missense variant.
Genome position (GRCh38, 1-based): chr1:160,193,752, A>T. VCF-style: chr1-160193752-A-T. GRCh37 (hg19) VCF-style: chr1-160163542-A-T.
Other names: short protein forms T124S.
Identifiers: ClinVar variation 4740531 (VCV004740531.1).

ClinVar aggregate classification (germline): Uncertain significance (1 of 4 stars; one submission).

Submission:

Labcorp Genetics (formerly Invitae), Labcorp
Classification: Uncertain significance. Last evaluated: 2025-06-30. Review status: criteria provided, single submitter. Criteria: Invitae Variant Classification Sherloc (09022015). Collection method: clinical testing. Allele origin: germline.
Comment: This sequence change replaces threonine, which is neutral and polar, with serine, which is neutral and polar, at codon 124 of the CASQ1 protein (p.Thr124Ser). This variant is not present in population databases (gnomAD no frequency). This variant has not been reported in the literature in individuals affected with CASQ1-related conditions. Invitae Evidence Modeling of protein sequence and biophysical properties (such as structural, functional, and spatial information, amino acid conservation, physicochemical variation, residue mobility, and thermodynamic stability) indicates that this missense variant is not expected to disrupt CASQ1 protein function with a negative predictive value of 80%. In summary, the available evidence is currently insufficient to determine the role of this variant in disease. Therefore, it has been classified as a Variant of Uncertain Significance.